The following is an entry in ClinVar:

ClinVar aggregate classification (germline): Likely pathogenic. Review status: criteria provided, multiple submitters, no conflicts (2 of 4 stars). 3 submissions from 3 submitters: Likely pathogenic (2). 1 of the submissions does not count toward it. Last evaluated 2025-10-18.

Conditions:
Myopathy, tubular aggregate, 2 (TAM2). Identifiers: MedGen C4014557, MONDO:0014383, OMIM 615883.
Combined immunodeficiency due to ORAI1 deficiency. Also called: IMMUNODEFICIENCY 9. Identifiers: Orphanet 169090, Orphanet 317428, MedGen C2748568, MONDO:0013007, OMIM 612782.

Allele frequency attached by ClinVar (database versions not stated): gnomAD exomes 0.00001 and 0.00003; gnomAD 0.00003 and 0.00004; ExAC 0.00004; TOPMed 0.00002.

Submissions (3):

Labcorp Genetics (formerly Invitae), Labcorp
Classification: Likely pathogenic for Myopathy, tubular aggregate, 2; Combined immunodeficiency due to ORAI1 deficiency. Last evaluated: 2025-10-18. Review status: criteria provided, single submitter. Criteria: Invitae Variant Classification Sherloc (09022015). Collection method: clinical testing. Allele origin: germline.
Comment: This sequence change replaces leucine, which is neutral and non-polar, with proline, which is neutral and non-polar, at codon 194 of the ORAI1 protein (p.Leu194Pro). This variant is present in population databases (rs782753385, gnomAD 0.005%). This missense change has been observed in individuals with autosomal recessive ORAI1 deficiency (PMID: 20004786, 27066545, 29155098). ClinVar contains an entry for this variant (Variation ID: 192288). Experimental studies and prediction algorithms are not available or were not evaluated, and the functional significance of this variant is currently unknown. Studies have shown that this missense change alters ORAI1 gene expression (PMID: 20004786). In summary, the currently available evidence indicates that the variant is pathogenic, but additional data are needed to prove that conclusively. Therefore, this variant has been classified as Likely Pathogenic.

GeneDx
Classification: Likely pathogenic. Last evaluated: 2025-01-28. Review status: criteria provided, single submitter. Criteria: GeneDx Variant Classification Process June 2021. Collection method: clinical testing. Allele origin: germline. Affected: yes.
Comment: Published functional studies demonstrate that this variant abolishes ORAI1 protein expression and impairs function (PMID: 20004786); In silico analysis supports that this missense variant has a deleterious effect on protein structure/function; This variant is associated with the following publications: (PMID: 21790973, 30903264, 22202035, 22129055, 20189884, 29155098, 27066545, 31589614, 20004786)

OMIM
Classification: Pathogenic for IMMUNODEFICIENCY 9. Last evaluated: 2009-12-01. Review status: no assertion criteria provided. Collection method: literature only. Allele origin: germline. Not counted in ClinVar's aggregate classification.

Literature cited by the submitters: PubMed 20004786 (cited by Labcorp Genetics (formerly Invitae), Labcorp and OMIM); PubMed 27066545 (cited by Labcorp Genetics (formerly Invitae), Labcorp); PubMed 29155098 (cited by Labcorp Genetics (formerly Invitae), Labcorp).

NM_032790.4(ORAI1):c.581T>C (p.Leu194Pro)

Gene: ORAI1 (ORAI calcium release-activated calcium modulator 1; plus strand). Cytogenetic location: 12q24.31.
Variant type: single nucleotide variant.
Coding change: c.581T>C on transcript NM_032790.4 (MANE Select); coding-DNA position 581, T replaced by C.
Protein change: p.Leu194Pro; replaces leucine 194 with proline.
Genome position (GRCh38, 1-based): chr12:121,641,318, T>C. VCF-style: chr12-121641318-T-C. GRCh37 (hg19) VCF-style: chr12-122079224-T-C.
Other names: short protein forms L194P.
Identifiers: ClinVar variation 192288 (VCV000192288.6), dbSNP rs782753385, ClinGen allele CA200157.